The following is an entry in ClinVar:

NM_004655.4(AXIN2):c.396A>G (p.Lys132=)

Gene: AXIN2 (axin 2; minus strand). Cytogenetic location: 17q24.1.
Variant type: single nucleotide variant.
Coding change: c.396A>G on transcript NM_004655.4 (MANE Select); coding-DNA position 396, A replaced by G.
Protein change: p.Lys132=; no amino-acid change (lysine 132 retained).
Molecular consequence: synonymous variant.
Genome position (GRCh38, 1-based): chr17:65,558,225, T>C on the plus strand (A>G on the coding strand, the complement: AXIN2 is on the minus strand). VCF-style: chr17-65558225-T-C. GRCh37 (hg19) VCF-style: chr17-63554343-T-C.
Other names: c.396A>G, p.Lys132= (NM_001363813.1); c.396A>G (LRG_296t1).
Identifiers: ClinVar variation 415222 (VCV000415222.15), dbSNP rs752373189, ClinGen allele CA8719058.
Genomic context (GRCh38, chr17:65,558,225, plus strand): 5'-GGCAGGCTTCAGCTGCTTGGAGACAATGCTGTTGTTCTCAATGTACCTTTTGTAGATCGC[T>C]TTGGCTACTCGTAAAGTTTTGGTATCCTTCAGGTTCATCTGCCTGAATCCATTGCAGGCA-3'
Protein context (NP_004646.3, residues 122-142): LKDTKTLRVA[Lys132=]AIYKRYIENN

ClinVar aggregate classification (germline): Benign/Likely benign. Review status: criteria provided, multiple submitters, no conflicts (2 of 4 stars). 3 submissions from 3 submitters: Benign (1); Likely benign (2). Last evaluated 2026-01-05.

Conditions:
Hereditary cancer-predisposing syndrome. Also called: Tumor predisposition; Neoplastic Syndromes, Hereditary; Hereditary neoplastic syndrome; Hereditary Cancer Syndrome. Identifiers: Orphanet 140162, MedGen C0027672, MeSH D009386, MONDO:0015356.
Oligodontia-cancer predisposition syndrome. Also called: TOOTH AGENESIS-COLORECTAL CANCER SYNDROME. Identifiers: Orphanet 300576, MedGen C1837750, MONDO:0012075, OMIM 608615. Disease mechanism: loss of function.

Allele frequency attached by ClinVar (database versions not stated): gnomAD exomes below 0.00001 and 0.00003; gnomAD 0.00001; ExAC 0.00002.
gnomAD v4.1: 6 of 1,614,030 alleles (0.00037%); highest among the groups gnomAD compares: East Asian, 0.011%; no homozygotes.

Submissions (3):

Labcorp Genetics (formerly Invitae), Labcorp
Classification: Likely benign for Oligodontia-cancer predisposition syndrome. Last evaluated: 2026-01-05. Review status: criteria provided, single submitter. Criteria: Invitae Variant Classification Sherloc (09022015). Collection method: clinical testing. Allele origin: germline.

Myriad Genetics, Inc.
Classification: Benign for Oligodontia-cancer predisposition syndrome. Last evaluated: 2024-06-26. Review status: criteria provided, single submitter. Criteria: Myriad Autosomal Dominant, Autosomal Recessive and X-Linked Classification Criteria (2023). Collection method: clinical testing. Allele origin: unknown.
Comment: This variant is considered benign. This variant is a silent/synonymous amino acid change and it is not expected to impact splicing.

Ambry Genetics
Classification: Likely benign for Hereditary cancer-predisposing syndrome. Last evaluated: 2021-02-04. Review status: criteria provided, single submitter. Criteria: Ambry Variant Classification Scheme 2023. Collection method: clinical testing. Allele origin: germline.